The following is an entry in ClinVar:

NM_002335.4(LRP5):c.1910T>C (p.Met637Thr)

Gene: LRP5 (LDL receptor related protein 5; plus strand). Cytogenetic location: 11q13.2.
Variant type: single nucleotide variant.
Coding change: c.1910T>C on transcript NM_002335.4 (MANE Select); coding-DNA position 1910, T replaced by C.
Protein change: p.Met637Thr; replaces methionine 637 with threonine.
Molecular consequence: missense variant.
Genome position (GRCh38, 1-based): chr11:68,406,632, T>C. VCF-style: chr11-68406632-T-C. GRCh37 (hg19) VCF-style: chr11-68174100-T-C.
Other names: c.167T>C, p.Met56Thr (NM_001291902.2); short protein forms M637T, M56T.
Identifiers: ClinVar variation 1046602 (VCV001046602.9), dbSNP rs1045994595, ClinGen allele CA224268297.

ClinVar aggregate classification (germline): Uncertain significance. Review status: criteria provided, multiple submitters, no conflicts (2 of 4 stars). 3 submissions from 3 submitters: Uncertain significance (3). Last evaluated 2024-05-24.

Conditions:
Bone mineral density quantitative trait locus 1 (BMND1). Identifiers: MedGen C1866079, OMIM 601884.
Worth disease. Also called: ENDOSTEAL HYPEROSTOSIS, AUTOSOMAL DOMINANT; OSTEOSCLEROSIS, AUTOSOMAL DOMINANT; Autosomal dominant osteosclerosis, Worth type. Identifiers: Orphanet 2790, MedGen C0432273, MONDO:0007764, OMIM 144750.
Exudative vitreoretinopathy 4 (EVR4). Identifiers: Orphanet 891, MedGen C1866176, MONDO:0011151, OMIM 601813.
Osteoporosis. Identifiers: MedGen C0029456, MONDO:0005298, OMIM 166710, HP:0000939.
Polycystic liver disease 4 with or without kidney cysts. Identifiers: MedGen C4693479, MONDO:0044327, OMIM 617875.
Exudative vitreoretinopathy 1 (EVR1). Also called: CRISWICK-SCHEPENS SYNDROME; FEVR, AUTOSOMAL DOMINANT; Familial exudative vitreoretinopathy, autosomal dominant. Identifiers: Orphanet 891, Orphanet 90050, MedGen C1851402, MONDO:0007589, OMIM 133780.
Autosomal dominant osteopetrosis 1 (OPTA1). Also called: OSTEOPETROSIS, AUTOSOMAL DOMINANT, TYPE I. Identifiers: Orphanet 2783, MedGen C1843330, MONDO:0011877, OMIM 607634.
Osteoporosis with pseudoglioma (OPPG). Also called: osteoporosis-pseudoglioma syndrome. Identifiers: Orphanet 2788, MedGen C0432252, MONDO:0009820, OMIM 259770.

Allele frequency attached by ClinVar (database versions not stated): gnomAD exomes below 0.00001 and 0.00001; gnomAD 0.00001; TOPMed 0.00003.
gnomAD v4.1: 3 of 1,614,054 alleles (0.00019%); highest among the groups gnomAD compares: African/African-American, 0.004%; no homozygotes.

Submissions (3):

Labcorp Genetics (formerly Invitae), Labcorp
Classification: Uncertain significance. Last evaluated: 2024-05-24. Review status: criteria provided, single submitter. Criteria: Invitae Variant Classification Sherloc (09022015). Collection method: clinical testing. Allele origin: germline.
Comment: This sequence change replaces methionine, which is neutral and non-polar, with threonine, which is neutral and polar, at codon 637 of the LRP5 protein (p.Met637Thr). This variant is present in population databases (no rsID available, gnomAD 0.01%). This variant has not been reported in the literature in individuals affected with LRP5-related conditions. ClinVar contains an entry for this variant (Variation ID: 1046602). Advanced modeling of protein sequence and biophysical properties (such as structural, functional, and spatial information, amino acid conservation, physicochemical variation, residue mobility, and thermodynamic stability) performed at Invitae indicates that this missense variant is not expected to disrupt LRP5 protein function with a negative predictive value of 95%. In summary, the available evidence is currently insufficient to determine the role of this variant in disease. Therefore, it has been classified as a Variant of Uncertain Significance.

Fulgent Genetics
Classification: Uncertain significance for Exudative vitreoretinopathy 1; Worth disease; Osteoporosis; Osteoporosis with pseudoglioma; Exudative vitreoretinopathy 4; Bone mineral density quantitative trait locus 1; Autosomal dominant osteopetrosis 1; Polycystic liver disease 4 with or without kidney cysts. Last evaluated: 2022-03-15. Review status: criteria provided, single submitter. Criteria: ACMG Guidelines, 2015. Collection method: clinical testing. Allele origin: unknown.

GeneDx
Classification: Uncertain significance. Last evaluated: 2019-08-27. Review status: criteria provided, single submitter. Criteria: GeneDx Variant Classification Process June 2021. Collection method: clinical testing. Allele origin: germline. Affected: yes.
Comment: In silico analysis, which includes protein predictors and evolutionary conservation, supports that this variant does not alter protein structure/function; Has not been previously published as pathogenic or benign to our knowledge